The following is an entry in ClinVar:

ClinVar aggregate classification (germline): Pathogenic. Review status: criteria provided, multiple submitters, no conflicts (2 of 4 stars). 3 submissions from 3 submitters: Pathogenic (3). Last evaluated 2023-09-11.

Conditions:
Hereditary cancer-predisposing syndrome. Also called: Tumor predisposition; Hereditary Cancer Syndrome; Neoplastic Syndromes, Hereditary; Hereditary neoplastic syndrome. Identifiers: Orphanet 140162, MedGen C0027672, MeSH D009386, MONDO:0015356.
Familial cancer of breast. Also called: BREAST CANCER, FAMILIAL; hereditary breast carcinoma; Hereditary breast cancer. Identifiers: Orphanet 227535, MedGen C0346153, MONDO:0016419, OMIM 114480. Disease mechanism: loss of function.

Allele frequency attached by ClinVar (database versions not stated): TOPMed below 0.00001.

Submissions (3):

Myriad Genetics, Inc.
Classification: Pathogenic for Familial cancer of breast. Last evaluated: 2023-09-11. Review status: criteria provided, single submitter. Criteria: Myriad Autosomal Dominant, Autosomal Recessive and X-Linked Classification Criteria (2023). Collection method: clinical testing. Allele origin: unknown.
Comment: This variant is considered pathogenic. This variant creates a termination codon and is predicted to result in premature protein truncation.

Labcorp Genetics (formerly Invitae), Labcorp
Classification: Pathogenic for Familial cancer of breast. Last evaluated: 2021-11-08. Review status: criteria provided, single submitter. Criteria: Invitae Variant Classification Sherloc (09022015). Collection method: clinical testing. Allele origin: germline.
Comment: This sequence change creates a premature translational stop signal (p.Leu600*) in the PALB2 gene. It is expected to result in an absent or disrupted protein product. Loss-of-function variants in PALB2 are known to be pathogenic (PMID: 17200668, 17200671, 17200672, 24136930, 25099575). This variant is not present in population databases (gnomAD no frequency). This variant has not been reported in the literature in individuals affected with PALB2-related conditions. For these reasons, this variant has been classified as Pathogenic.

Color Diagnostics, LLC DBA Color Health
Classification: Pathogenic for Hereditary cancer-predisposing syndrome. Last evaluated: 2021-05-10. Review status: criteria provided, single submitter. Criteria: ACMG Guidelines, 2015. Collection method: clinical testing. Allele origin: germline.
Comment: This variant changes 1 nucleotide in exon 5 of the PALB2 gene, creating a premature translation stop signal. This variant is expected to result in an absent or non-functional protein product. To our knowledge, functional studies have not been reported for this variant. This variant has been detected in at least one individual affected with breast cancer (Color internal data), and a different mutation also resulting in a translation termination signal at codon 600 has been reported in an individual affected with breast cancer (PMID: 28779002). This variant has not been identified in the general population by the Genome Aggregation Database (gnomAD). Loss of PALB2 function is a known mechanism of disease. Based on the available evidence, this variant is classified as Pathogenic.

Literature cited by the submitters: PubMed 17200668 (cited by Labcorp Genetics (formerly Invitae), Labcorp); PubMed 17200671 (cited by Labcorp Genetics (formerly Invitae), Labcorp); PubMed 17200672 (cited by Labcorp Genetics (formerly Invitae), Labcorp); PubMed 24136930 (cited by Labcorp Genetics (formerly Invitae), Labcorp); PubMed 25099575 (cited by Labcorp Genetics (formerly Invitae), Labcorp).

NM_024675.4(PALB2):c.1799T>G (p.Leu600Ter)

Gene: PALB2 (partner and localizer of BRCA2; minus strand). Cytogenetic location: 16p12.2.
Variant type: single nucleotide variant.
Coding change: c.1799T>G on transcript NM_024675.4 (MANE Select); coding-DNA position 1799, T replaced by G.
Protein change: p.Leu600Ter; replaces leucine 600 with a stop codon.
Molecular consequence: nonsense.
Genome position (GRCh38, 1-based): chr16:23,630,355, A>C on the plus strand (T>G on the coding strand, the complement: PALB2 is on the minus strand). VCF-style: chr16-23630355-A-C. GRCh37 (hg19) VCF-style: chr16-23641676-A-C.
Other names: short protein forms L600*.
Identifiers: ClinVar variation 1332564 (VCV001332564.10), dbSNP rs1966865838, ClinGen allele CA395128055.
Genomic context (GRCh38, chr16:23,630,355, plus strand): 5'-CCAAAGTCTTCATCAGGTAACTGAAAGTCTGTGATACTGAGAAAAGACAGTAGTTGCTTT[A>C]AACTCAGCATTCCATCCCTATGAAATGGAGCCGTGAAAGCATCATCATCCAAGGATAAAT-3'